The following is an entry in ClinVar:

ClinVar aggregate classification (germline): Conflicting classifications of pathogenicity. Review status: criteria provided, conflicting classifications (1 of 4 stars). 2 submissions from 2 submitters: Uncertain significance (1); Likely benign (1). Last evaluated 2024-02-24.

Conditions:
Mucolipidosis type IV (ML4). Also called: ML IV. Identifiers: Orphanet 578, MedGen C0238286, MONDO:0009653, OMIM 252650.
Inborn genetic diseases. Identifiers: MedGen C0950123, MeSH D030342.

Allele frequency attached by ClinVar (database versions not stated): TOPMed below 0.00001; gnomAD 0.00001; gnomAD exomes 0.00005; ExAC 0.00007; 1000 Genomes Project 30x 0.00016; 1000 Genomes Project 0.00020.

Submissions (2):

Labcorp Genetics (formerly Invitae), Labcorp
Classification: Likely benign for Mucolipidosis type IV. Last evaluated: 2024-02-24. Review status: criteria provided, single submitter. Criteria: Invitae Variant Classification Sherloc (09022015). Collection method: clinical testing. Allele origin: germline.

Ambry Genetics
Classification: Uncertain significance for Inborn genetic diseases. Last evaluated: 2021-09-14. Review status: criteria provided, single submitter. Criteria: Ambry Variant Classification Scheme 2023. Collection method: clinical testing. Allele origin: germline.
Comment: The p.A416V variant (also known as c.1247C>T), located in coding exon 11 of the MCOLN1 gene, results from a C to T substitution at nucleotide position 1247. The alanine at codon 416 is replaced by valine, an amino acid with similar properties. This amino acid position is conserved. In addition, this alteration is predicted to be tolerated by in silico analysis. Since supporting evidence is limited at this time, the clinical significance of this alteration remains unclear.

NM_020533.3(MCOLN1):c.1247C>T (p.Ala416Val)

Gene: MCOLN1 (mucolipin TRP cation channel 1; plus strand). Cytogenetic location: 19p13.2.
Variant type: single nucleotide variant.
Coding change: c.1247C>T on transcript NM_020533.3 (MANE Select); coding-DNA position 1247, C replaced by T.
Protein change: p.Ala416Val; replaces alanine 416 with valine.
Molecular consequence: missense variant.
Genome position (GRCh38, 1-based): chr19:7,529,600, C>T. VCF-style: chr19-7529600-C-T. GRCh37 (hg19) VCF-style: chr19-7594486-C-T.
Other names: c.1247C>T (NM_020533.2); short protein forms A416V.
Identifiers: ClinVar variation 2201290 (VCV002201290.5), dbSNP rs201585635, ClinGen allele CA9139100.
Genomic context (GRCh38, chr19:7,529,600, plus strand): 5'-ACCTGAGTTGTGGCCACACCCTCAACGAGGCTCCCTCTGCCCCAACCCAGATCCTCATCG[C>T]CACACTGCGGGTGGCCCTGCCCAGCGTCATGCGCTTCTGCTGCTGCGTGGCTGTCATCTA-3'
Protein context (NP_065394.1, residues 406-426): TFFHNYNILI[Ala416Val]TLRVALPSVM